The following is an entry in ClinVar:

ClinVar aggregate classification (germline): Uncertain significance (1 of 4 stars; one submission).

Conditions:
Congenital contractural arachnodactyly (CCA). Also called: Beals-Hecht syndrome; BEALS SYNDROME; Arthrogryposis, distal, type 9. Identifiers: Orphanet 115, MedGen C0220668, MONDO:0007363, OMIM 121050.

Submission:

Labcorp Genetics (formerly Invitae), Labcorp
Classification: Uncertain significance for Congenital contractural arachnodactyly. Last evaluated: 2025-11-03. Review status: criteria provided, single submitter. Criteria: Invitae Variant Classification Sherloc (09022015). Collection method: clinical testing. Allele origin: germline.
Comment: This sequence change replaces arginine, which is basic and polar, with serine, which is neutral and polar, at codon 947 of the FBN2 protein (p.Arg947Ser). This variant is not present in population databases (gnomAD no frequency). This variant has not been reported in the literature in individuals affected with FBN2-related conditions. Invitae Evidence Modeling of protein sequence and biophysical properties (such as structural, functional, and spatial information, amino acid conservation, physicochemical variation, residue mobility, and thermodynamic stability) has been performed for this missense variant. However, the output from this modeling did not meet the statistical confidence thresholds required to predict the impact of this variant on FBN2 protein function. In summary, the available evidence is currently insufficient to determine the role of this variant in disease. Therefore, it has been classified as a Variant of Uncertain Significance.

NM_001999.4(FBN2):c.2841G>C (p.Arg947Ser)

Gene: FBN2 (fibrillin 2; minus strand). Cytogenetic location: 5q23.3.
Variant type: single nucleotide variant.
Coding change: c.2841G>C on transcript NM_001999.4 (MANE Select); coding-DNA position 2841, G replaced by C.
Protein change: p.Arg947Ser; replaces arginine 947 with serine.
Molecular consequence: missense variant.
Genome position (GRCh38, 1-based): chr5:128,349,977, C>G on the plus strand (G>C on the coding strand, the complement: FBN2 is on the minus strand). VCF-style: chr5-128349977-C-G. GRCh37 (hg19) VCF-style: chr5-127685669-C-G.
Other names: short protein forms R947S.
Identifiers: ClinVar variation 4768771 (VCV004768771.1).